The following is an entry in ClinVar:

ClinVar aggregate classification (germline): Conflicting classifications of pathogenicity. Review status: criteria provided, conflicting classifications (1 of 4 stars). 3 submissions from 3 submitters: Uncertain significance (1); Likely benign (2). Last evaluated 2025-09-01.

Allele frequency attached by ClinVar (database versions not stated): gnomAD 0.00004 and 0.00003; ESP Exome Variant Server 0.00008; gnomAD exomes 0.00008 and 0.00002; ExAC 0.00002; TOPMed 0.00003.
gnomAD v4.1: 127 of 1,614,004 alleles (0.0079%); highest among the groups gnomAD compares: Non-Finnish European, 0.01%; no homozygotes.

Submissions (3):

CeGaT Center for Human Genetics Tuebingen
Classification: Likely benign. Last evaluated: 2025-09-01. Review status: criteria provided, single submitter. Criteria: CeGaT Center For Human Genetics Tuebingen Variant Classification Criteria Version 2. Collection method: clinical testing. Allele origin: germline. Affected: yes. Observed: 1 variant allele.
Comment: HSPG2: BP4, BP7

Labcorp Genetics (formerly Invitae), Labcorp
Classification: Likely benign. Last evaluated: 2023-12-20. Review status: criteria provided, single submitter. Criteria: Invitae Variant Classification Sherloc (09022015). Collection method: clinical testing. Allele origin: germline.

Eurofins Ntd Llc (ga)
Classification: Uncertain significance. Last evaluated: 2016-05-02. Review status: criteria provided, single submitter. Criteria: EGL Classification Definitions 2015. Collection method: clinical testing. Allele origin: germline. Observed: 1 variant allele, 1 heterozygote.

NM_005529.7(HSPG2):c.11046C>T (p.Ala3682=)

Gene: HSPG2 (heparan sulfate proteoglycan 2; minus strand). Cytogenetic location: 1p36.12.
Variant type: single nucleotide variant.
Coding change: c.11046C>T on transcript NM_005529.7 (MANE Select); coding-DNA position 11046, C replaced by T.
Protein change: p.Ala3682=; no amino-acid change (alanine 3682 retained).
Molecular consequence: synonymous variant.
Genome position (GRCh38, 1-based): chr1:21,833,317, G>A on the plus strand (C>T on the coding strand, the complement: HSPG2 is on the minus strand). VCF-style: chr1-21833317-G-A. GRCh37 (hg19) VCF-style: chr1-22159810-G-A.
Other names: c.11049C>T, p.Ala3683= (NM_001291860.2).
Identifiers: ClinVar variation 287866 (VCV000287866.16), dbSNP rs149466423, ClinGen allele CA669945.